The following is an entry in ClinVar:

ClinVar aggregate classification (germline): Uncertain significance. Review status: criteria provided, multiple submitters, no conflicts (2 of 4 stars). 6 submissions from 6 submitters: Uncertain significance (6). Last evaluated 2026-07-06.

Conditions:
Congenital myopathy with fiber type disproportion. Also called: Congenital fiber-type disproportion; Congenital fiber-type disproportion myopathy. Identifiers: Orphanet 2020, MedGen C0546264, MONDO:0009711. Inheritance: all.
Congenital multicore myopathy with external ophthalmoplegia (CMYO1B). Also called: MULTICORE MYOPATHY; MULTIMINICORE DISEASE WITH EXTERNAL OPHTHALMOPLEGIA; Minicore myopathy with external ophthalmoplegia; Congenital myopathy 1B, autosomal recessive; Minicore myopathy. Identifiers: Orphanet 598, Orphanet 98905, MedGen C1850674, MONDO:0009712, OMIM 255320, HP:0003789.
Central core myopathy (CMYO1A). Also called: Central core disease; Myopathy, central fibrillar; CONGENITAL MYOPATHY 1A, AUTOSOMAL DOMINANT, WITH SUSCEPTIBILITY TO MALIGNANT HYPERTHERMIA. Identifiers: Orphanet 597, MedGen C5830701, MONDO:0007294, OMIM 117000.
King Denborough syndrome (KDS). Identifiers: MedGen C1840365, MONDO:0020485, OMIM 619542.
Malignant hyperthermia, susceptibility to, 1 (MHS1). Also called: Anesthesia related hyperthermia; Malignant hyperpyrexia; Fulminating hyperpyrexia; Pharmacogenic myopathy; RYR1-Related Malignant Hyperthermia Susceptibility; Malignant hyperthermia suceptibility 1. Identifiers: Orphanet 423, MedGen C2930980, MONDO:0007783, OMIM 145600.
RYR1-related disorder. Also called: RYR1-related disorders; RYR1-related condition. Identifiers: MedGen CN239331.
Inborn genetic diseases. Identifiers: MedGen C0950123, MeSH D030342.

Allele frequency attached by ClinVar (database versions not stated): ExAC 0.00002; gnomAD exomes 0.00002; gnomAD 0.00003 and 0.00004; TOPMed 0.00003.

Submissions (6):

Ambry Genetics
Classification: Uncertain significance for Inborn genetic diseases. Last evaluated: 2026-07-06. Review status: criteria provided, single submitter. Criteria: Ambry Variant Classification Scheme 2023. Collection method: clinical testing. Allele origin: germline.
Comment: The p.R843C variant (also known as c.2527C>T), located in coding exon 20 of the RYR1 gene, results from a C to T substitution at nucleotide position 2527. The arginine at codon 843 is replaced by cysteine, an amino acid with highly dissimilar properties. This amino acid position is conserved. In addition, the in silico prediction for this alteration is inconclusive. Based on the available evidence, the clinical significance of this variant remains unclear.

All of Us Research Program, National Institutes of Health
Classification: Uncertain significance for Malignant hyperthermia, susceptibility to, 1. Last evaluated: 2024-03-24. Review status: criteria provided, single submitter. Criteria: ACMG Guidelines, 2015. Collection method: clinical testing. Allele origin: germline. Inheritance: Autosomal dominant inheritance. Observed: 8 variant alleles, 8 heterozygotes.
Comment: This missense variant replaces arginine with cysteine at codon 843 of the RYR1 protein. Computational prediction suggests that this variant may not impact protein structure and function (internally defined REVEL score threshold <= 0.5, PMID: 27666373). To our knowledge, functional studies have not been reported for this variant. This variant has not been reported in individuals affected with RYR1-related disorders in the literature. This variant has been identified in 6/282460 chromosomes in the general population by the Genome Aggregation Database (gnomAD). The available evidence is insufficient to determine the role of this variant in disease conclusively. Therefore, this variant is classified as a Variant of Uncertain Significance.

This study involves interpretation of variants in research participants for the purpose of population health screening. Participant phenotype was not available at the time of variant classification. Additional details can be found in publication PMID: 35346344, PMCID: PMC8962531

Color Diagnostics, LLC DBA Color Health
Classification: Uncertain significance for Malignant hyperthermia, susceptibility to, 1. Last evaluated: 2024-02-28. Review status: criteria provided, single submitter. Criteria: ACMG Guidelines, 2015. Collection method: clinical testing. Allele origin: germline.
Comment: This missense variant replaces arginine with cysteine at codon 843 of the RYR1 protein. Computational prediction suggests that this variant may not impact protein structure and function. To our knowledge, functional studies have not been reported for this variant. This variant has not been reported in individuals affected with RYR1-related disorders in the literature. This variant has been identified in 6/282460 chromosomes in the general population by the Genome Aggregation Database (gnomAD). The available evidence is insufficient to determine the role of this variant in disease conclusively. Therefore, this variant is classified as a Variant of Uncertain Significance.

Revvity Omics, Revvity
Classification: Uncertain significance. Last evaluated: 2022-11-14. Review status: criteria provided, single submitter. Criteria: ACMG Guidelines, 2015. Collection method: clinical testing. Allele origin: germline.

Labcorp Genetics (formerly Invitae), Labcorp
Classification: Uncertain significance for RYR1-related disorder. Last evaluated: 2022-02-26. Review status: criteria provided, single submitter. Criteria: Invitae Variant Classification Sherloc (09022015). Collection method: clinical testing. Allele origin: germline.
Comment: This sequence change replaces arginine, which is basic and polar, with cysteine, which is neutral and slightly polar, at codon 843 of the RYR1 protein (p.Arg843Cys). This variant is present in population databases (rs750233243, gnomAD 0.003%). This variant has not been reported in the literature in individuals affected with RYR1-related conditions. ClinVar contains an entry for this variant (Variation ID: 658407). Advanced modeling of protein sequence and biophysical properties (such as structural, functional, and spatial information, amino acid conservation, physicochemical variation, residue mobility, and thermodynamic stability) performed at Invitae indicates that this missense variant is not expected to disrupt RYR1 protein function. In summary, the available evidence is currently insufficient to determine the role of this variant in disease. Therefore, it has been classified as a Variant of Uncertain Significance.

Fulgent Genetics
Classification: Uncertain significance for Central core myopathy; Malignant hyperthermia, susceptibility to, 1; Congenital myopathy 4A, autosomal dominant; Congenital multicore myopathy with external ophthalmoplegia; King Denborough syndrome. Last evaluated: 2021-11-18. Review status: criteria provided, single submitter. Criteria: ACMG Guidelines, 2015. Collection method: clinical testing. Allele origin: unknown.

NM_000540.3(RYR1):c.2527C>T (p.Arg843Cys)

Gene: RYR1 (ryanodine receptor 1; plus strand). Cytogenetic location: 19q13.2.
Variant type: single nucleotide variant.
Coding change: c.2527C>T on transcript NM_000540.3 (MANE Select); coding-DNA position 2527, C replaced by T.
Protein change: p.Arg843Cys; replaces arginine 843 with cysteine.
Molecular consequence: missense variant.
Genome position (GRCh38, 1-based): chr19:38,460,541, C>T. VCF-style: chr19-38460541-C-T. GRCh37 (hg19) VCF-style: chr19-38951181-C-T.
Other names: c.2527C>T, p.Arg843Cys (NM_001042723.2); short protein forms R843C.
Identifiers: ClinVar variation 658407 (VCV000658407.15), dbSNP rs750233243, ClinGen allele CA063383.
Genomic context (GRCh38, chr19:38,460,541, plus strand): 5'-GAACCCATCAAGGAGTATCGACGGGAGGGGCCCCGGGGGCCTCACCTGGTGGGCCCCAGT[C>T]GCTGCCTCTCACACACCGACTTCGTGCCCTGCCCTGTGGACACTGTCCAGGTACTGCCTG-3'
Protein context (NP_000531.2, residues 833-853): PRGPHLVGPS[Arg843Cys]CLSHTDFVPC